The following is an entry in ClinVar:

NM_004385.5(VCAN):c.5656G>A (p.Val1886Ile)

Genes: VCAN (versican; plus strand), VCAN-AS1 (VCAN antisense RNA 1; minus strand). Cytogenetic location: 5q14.3.
Variant type: single nucleotide variant.
Coding change: c.5656G>A on transcript NM_004385.5 (MANE Select); coding-DNA position 5656, G replaced by A.
Protein change: p.Val1886Ile; replaces valine 1886 with isoleucine.
Molecular consequence: missense variant. On other transcripts: intron variant (2).
Genome position (GRCh38, 1-based): chr5:83,538,659, G>A. VCF-style: chr5-83538659-G-A. GRCh37 (hg19) VCF-style: chr5-82834478-G-A.
Other names: c.2695G>A, p.Val899Ile (NM_001164097.2); c.4004-6878G>A (NM_001164098.2); c.1043-6878G>A (NM_001126336.3); short protein forms V1886I, V899I.
Identifiers: ClinVar variation 956616 (VCV000956616.10), dbSNP rs145239579, ClinGen allele CA3333364.

ClinVar aggregate classification (germline): Uncertain significance. Review status: criteria provided, multiple submitters, no conflicts (2 of 4 stars). 3 submissions from 3 submitters: Uncertain significance (2). 1 of the submissions does not count toward it. Last evaluated 2024-09-30.

Conditions:
VCAN-related disorder. Also called: VCAN-related condition.
Inborn genetic diseases. Identifiers: MedGen C0950123, MeSH D030342.

Allele frequency attached by ClinVar (database versions not stated): gnomAD 0.00006; ESP Exome Variant Server 0.00008; TOPMed 0.00008.
gnomAD v4.1: 18 of 1,614,092 alleles (0.0011%); highest among the groups gnomAD compares: African/African-American, 0.023%; no homozygotes.

Submissions (3):

Labcorp Genetics (formerly Invitae), Labcorp
Classification: Uncertain significance. Last evaluated: 2024-09-30. Review status: criteria provided, single submitter. Criteria: Invitae Variant Classification Sherloc (09022015). Collection method: clinical testing. Allele origin: germline.
Comment: This sequence change replaces valine, which is neutral and non-polar, with isoleucine, which is neutral and non-polar, at codon 1886 of the VCAN protein (p.Val1886Ile). This variant is present in population databases (rs145239579, gnomAD 0.02%). This variant has not been reported in the literature in individuals affected with VCAN-related conditions. ClinVar contains an entry for this variant (Variation ID: 956616). An algorithm developed to predict the effect of missense changes on protein structure and function outputs the following: PolyPhen-2: "Benign". The isoleucine amino acid residue is found in multiple mammalian species, which suggests that this missense change does not adversely affect protein function. In summary, the available evidence is currently insufficient to determine the role of this variant in disease. Therefore, it has been classified as a Variant of Uncertain Significance.

Ambry Genetics
Classification: Uncertain significance for Inborn genetic diseases. Last evaluated: 2024-07-26. Review status: criteria provided, single submitter. Criteria: Ambry Variant Classification Scheme 2023. Collection method: clinical testing. Allele origin: germline.

PreventionGenetics, part of Exact Sciences
Classification: Uncertain significance for VCAN-related condition. Last evaluated: 2023-11-13. Review status: no assertion criteria provided. Collection method: clinical testing. Allele origin: germline. Not counted in ClinVar's aggregate classification.
Comment: The VCAN c.5656G>A variant is predicted to result in the amino acid substitution p.Val1886Ile. To our knowledge, this variant has not been reported in the literature. This variant is reported in 0.024% of alleles in individuals of African descent in gnomAD. At this time, the clinical significance of this variant is uncertain due to the absence of conclusive functional and genetic evidence.